The following is an entry in ClinVar:

ClinVar aggregate classification (germline): Uncertain significance (1 of 4 stars; one submission).

Conditions:
Bethlem myopathy 1A. Also called: Bethlem myopathy 1; MYOPATHY, BENIGN CONGENITAL, WITH CONTRACTURES; Bethlem Muscular Dystrophy. Identifiers: Orphanet 610, MedGen CN029274, MONDO:0024530, OMIM 158810.

Allele frequency attached by ClinVar (database versions not stated): ExAC 0.00001; TOPMed 0.00001; 1000 Genomes Project 30x 0.00016; 1000 Genomes Project 0.00020.
gnomAD v4.1: 1 of 1,607,726 alleles (0.000062%); highest among the groups gnomAD compares: African/African-American, 0.0013%; no homozygotes.

Submission:

Labcorp Genetics (formerly Invitae), Labcorp
Classification: Uncertain significance for Bethlem myopathy 1A. Last evaluated: 2023-11-10. Review status: criteria provided, single submitter. Criteria: Invitae Variant Classification Sherloc (09022015). Collection method: clinical testing. Allele origin: germline.
Comment: This sequence change replaces leucine, which is neutral and non-polar, with phenylalanine, which is neutral and non-polar, at codon 859 of the COL6A3 protein (p.Leu859Phe). This variant is present in population databases (rs570233756, gnomAD 0.007%). This variant has not been reported in the literature in individuals affected with COL6A3-related conditions. Advanced modeling of protein sequence and biophysical properties (such as structural, functional, and spatial information, amino acid conservation, physicochemical variation, residue mobility, and thermodynamic stability) has been performed at Invitae for this missense variant, however the output from this modeling did not meet the statistical confidence thresholds required to predict the impact of this variant on COL6A3 protein function. In summary, the available evidence is currently insufficient to determine the role of this variant in disease. Therefore, it has been classified as a Variant of Uncertain Significance.

NM_004369.4(COL6A3):c.2575C>T (p.Leu859Phe)

Gene: COL6A3 (collagen type VI alpha 3 chain; minus strand). Cytogenetic location: 2q37.3.
Variant type: single nucleotide variant.
Coding change: c.2575C>T on transcript NM_004369.4 (MANE Select); coding-DNA position 2575, C replaced by T.
Protein change: p.Leu859Phe; replaces leucine 859 with phenylalanine.
Molecular consequence: missense variant.
Genome position (GRCh38, 1-based): chr2:237,377,267, G>A on the plus strand (C>T on the coding strand, the complement: COL6A3 is on the minus strand). VCF-style: chr2-237377267-G-A. GRCh37 (hg19) VCF-style: chr2-238285910-G-A.
Other names: c.1957C>T, p.Leu653Phe (NM_057165.5, NM_057167.4); c.754C>T, p.Leu252Phe (NM_057166.5); c.1354C>T, p.Leu452Phe (NM_057164.5); short protein forms L252F, L452F, L653F, L859F.
Identifiers: ClinVar variation 2890378 (VCV002890378.3), dbSNP rs570233756, ClinGen allele CA2189369.
Genomic context (GRCh38, chr2:237,377,267, plus strand): 5'-GAGCCACCGCAATTCGGGTCCCCTCTGGCTTCACATTGAGCTCATCGATAATCTTGTAGA[G>A]AAAGTCACGGACAACAGGGAACTGGCCCACAAGATTGGCTGAGCCGTCAAAGAGGAACAG-3'
Protein context (NP_004360.2, residues 849-869): VGQFPVVRDF[Leu859Phe]YKIIDELNVK